The following is an entry in ClinVar:

ClinVar aggregate classification (germline): Uncertain significance (1 of 4 stars; one submission).

Conditions:
Exostoses, multiple, type 2 (EXT2). Also called: Hereditary Multiple Osteochondromatosis, Type II; EXOSTOSES, MULTIPLE, TYPE II. Identifiers: Orphanet 321, MedGen C1851413, MONDO:0007586, OMIM 133701.

gnomAD v4.1: 5 of 1,614,184 alleles (0.00031%); highest among the groups gnomAD compares: Admixed American, 0.0033%; no homozygotes.

Submission:

Labcorp Genetics (formerly Invitae), Labcorp
Classification: Uncertain significance for Exostoses, multiple, type 2. Last evaluated: 2024-09-03. Review status: criteria provided, single submitter. Criteria: Invitae Variant Classification Sherloc (09022015). Collection method: clinical testing. Allele origin: germline.
Comment: This sequence change replaces threonine, which is neutral and polar, with alanine, which is neutral and non-polar, at codon 316 of the EXT2 protein (p.Thr316Ala). This variant is present in population databases (rs758267132, gnomAD 0.006%). This variant has not been reported in the literature in individuals affected with EXT2-related conditions. Invitae Evidence Modeling of protein sequence and biophysical properties (such as structural, functional, and spatial information, amino acid conservation, physicochemical variation, residue mobility, and thermodynamic stability) indicates that this missense variant is expected to disrupt EXT2 protein function with a positive predictive value of 80%. In summary, the available evidence is currently insufficient to determine the role of this variant in disease. Therefore, it has been classified as a Variant of Uncertain Significance.

NM_207122.2(EXT2):c.946A>G (p.Thr316Ala)

Gene: EXT2 (exostosin glycosyltransferase 2; plus strand). Cytogenetic location: 11p11.2.
Variant type: single nucleotide variant.
Coding change: c.946A>G on transcript NM_207122.2 (MANE Select); coding-DNA position 946, A replaced by G.
Protein change: p.Thr316Ala; replaces threonine 316 with alanine.
Molecular consequence: missense variant.
Genome position (GRCh38, 1-based): chr11:44,126,822, A>G. VCF-style: chr11-44126822-A-G. GRCh37 (hg19) VCF-style: chr11-44148372-A-G.
Other names: c.1045A>G, p.Thr349Ala (NM_000401.3); c.946A>G, p.Thr316Ala (NM_001178083.3, NM_001389628.1, NM_001389630.1); short protein forms T349A, T316A.
Identifiers: ClinVar variation 3709162 (VCV003709162.2).